The following is an entry in ClinVar:

NM_015956.3(MRPL4):c.740-8G>C

Gene: MRPL4 (mitochondrial ribosomal protein L4; plus strand). Cytogenetic location: 19p13.2.
Variant type: single nucleotide variant.
Coding change: c.740-8G>C on transcript NM_015956.3 (MANE Select); 8 bases into the intron before coding-DNA position 740, G replaced by C.
Molecular consequence: intron variant. On other transcripts: 3 prime UTR variant (1).
Genome position (GRCh38, 1-based): chr19:10,259,609, G>C. VCF-style: chr19-10259609-G-C. GRCh37 (hg19) VCF-style: chr19-10370285-G-C.
Other names: c.*871G>C (NM_146388.2); c.740-8G>C (NM_146387.2).
Identifiers: ClinVar variation 403107 (VCV000403107.5), dbSNP rs375741179, ClinGen allele CA9189581.

ClinVar aggregate classification (germline): Benign. Review status: criteria provided, multiple submitters, no conflicts (2 of 4 stars). 2 submissions from 2 submitters: Benign (2). Last evaluated 2016-03-29.

Submissions (2):

Laboratory for Molecular Medicine, Mass General Brigham Personalized Medicine
Classification: Benign. Last evaluated: 2016-03-29. Review status: criteria provided, single submitter. Criteria: LMM Criteria. Collection method: clinical testing. Allele origin: germline.
Comment: Variant identified in a genome or exome case(s) and assessed due to predicted null impact of the variant or pathogenic assertions in the literature or databases. Disclaimer: This variant has not undergone full assessment. The following are preliminary notes: Frequency

Breakthrough Genomics
Classification: Benign. Review status: criteria provided, single submitter. Criteria: ACMG Guidelines, 2015. Collection method: not provided. Allele origin: germline. Inheritance: Unknown mechanism. Affected: yes.